The following is an entry in ClinVar:

NM_182961.4(SYNE1):c.3099C>T (p.Ala1033=)

Gene: SYNE1 (spectrin repeat containing nuclear envelope protein 1; minus strand). Cytogenetic location: 6q25.2.
Variant type: single nucleotide variant.
Coding change: c.3099C>T on transcript NM_182961.4 (MANE Select); coding-DNA position 3099, C replaced by T.
Protein change: p.Ala1033=; no amino-acid change (alanine 1033 retained).
Molecular consequence: synonymous variant.
Genome position (GRCh38, 1-based): chr6:152,451,134, G>A on the plus strand (C>T on the coding strand, the complement: SYNE1 is on the minus strand). VCF-style: chr6-152451134-G-A. GRCh37 (hg19) VCF-style: chr6-152772269-G-A.
Other names: c.3120C>T, p.Ala1040= (NM_033071.5).
Identifiers: ClinVar variation 767407 (VCV000767407.34), dbSNP rs201752079, ClinGen allele CA4058924.
Genomic context (GRCh38, chr6:152,451,134, plus strand): 5'-GCCTTCCTGGGGCATCAGCTTGGTCTCTCGATCCAGCTCAGTTCTGCATTCTTCTACAGA[G>A]GCTAAGAACCTATTCTTCTCCACATCAATCTTCAGATGAAGCAAATGATAAGGGGCTTCT-3'
Protein context (NP_892006.3, residues 1023-1043): KIDVEKNRFL[Ala1033=]SVEECRTELD

ClinVar aggregate classification (germline): Likely benign. Review status: criteria provided, multiple submitters, no conflicts (2 of 4 stars). 2 submissions from 2 submitters: Likely benign (2). Last evaluated 2025-08-01.

Conditions:
Emery-Dreifuss muscular dystrophy 4, autosomal dominant (EDMD4). Also called: EMERY-DREIFUSS MUSCULAR DYSTROPHY 4 WITH VARIABLE FEATURES. Identifiers: Orphanet 261, MedGen C2751807, MONDO:0013071, OMIM 612998.
Autosomal recessive ataxia, Beauce type. Also called: SYNE1-Related Autosomal Recessive Cerebellar Ataxia; SYNE1 Deficiency; ATAXIA, RECESSIVE, OF BEAUCE; Spinocerebellar ataxia, autosomal recessive 8. Identifiers: Orphanet 88644, MedGen C1853116, MONDO:0012549, OMIM 610743.

Allele frequency attached by ClinVar (database versions not stated): gnomAD exomes 0.00002; ExAC 0.00003; gnomAD 0.00004; TOPMed 0.00006; ESP Exome Variant Server 0.00008.
gnomAD v4.1: 58 of 1,613,940 alleles (0.0036%); highest among the groups gnomAD compares: Non-Finnish European, 0.0047%; no homozygotes.

Submissions (2):

CeGaT Center for Human Genetics Tuebingen
Classification: Likely benign. Last evaluated: 2025-08-01. Review status: criteria provided, single submitter. Criteria: CeGaT Center For Human Genetics Tuebingen Variant Classification Criteria Version 2. Collection method: clinical testing. Allele origin: germline. Affected: yes. Observed: 2 variant alleles.
Comment: SYNE1: BP4, BP7

Labcorp Genetics (formerly Invitae), Labcorp
Classification: Likely benign for Emery-Dreifuss muscular dystrophy 4, autosomal dominant; Autosomal recessive ataxia, Beauce type. Last evaluated: 2022-06-20. Review status: criteria provided, single submitter. Criteria: Invitae Variant Classification Sherloc (09022015). Collection method: clinical testing. Allele origin: germline.